The following is an entry in ClinVar:

ClinVar aggregate classification (germline): Uncertain significance (1 of 4 stars; one submission).

Allele frequency attached by ClinVar (database versions not stated): gnomAD exomes below 0.00001.
gnomAD v4.1: 1 of 1,612,776 alleles (0.000062%); highest among the groups gnomAD compares: Non-Finnish European, 0.000085%; no homozygotes.

Submission:

Labcorp Genetics (formerly Invitae), Labcorp
Classification: Uncertain significance. Last evaluated: 2022-11-15. Review status: criteria provided, single submitter. Criteria: Invitae Variant Classification Sherloc (09022015). Collection method: clinical testing. Allele origin: germline.
Comment: In summary, the available evidence is currently insufficient to determine the role of this variant in disease. Therefore, it has been classified as a Variant of Uncertain Significance. Algorithms developed to predict the effect of missense changes on protein structure and function (SIFT, PolyPhen-2, Align-GVGD) all suggest that this variant is likely to be tolerated. ClinVar contains an entry for this variant (Variation ID: 1508473). This variant has not been reported in the literature in individuals affected with CD151-related conditions. This variant is not present in population databases (gnomAD no frequency). This sequence change replaces leucine, which is neutral and non-polar, with phenylalanine, which is neutral and non-polar, at codon 44 of the CD151 protein (p.Leu44Phe).

NM_004357.5(CD151):c.130C>T (p.Leu44Phe)

Gene: CD151 (CD151 molecule (Raph blood group); plus strand). Cytogenetic location: 11p15.5.
Variant type: single nucleotide variant.
Coding change: c.130C>T on transcript NM_004357.5 (MANE Select); coding-DNA position 130, C replaced by T.
Protein change: p.Leu44Phe; replaces leucine 44 with phenylalanine.
Molecular consequence: missense variant.
Genome position (GRCh38, 1-based): chr11:836,296, C>T. VCF-style: chr11-836296-C-T. GRCh37 (hg19) VCF-style: chr11-836296-C-T.
Other names: c.130C>T, p.Leu44Phe (NM_001039490.2, NM_139029.2, NM_139030.4); short protein forms L44F.
Identifiers: ClinVar variation 1508473 (VCV001508473.8), dbSNP rs2133959476, ClinGen allele CA378992936.